The following is an entry in ClinVar:

ClinVar aggregate classification (germline): Likely pathogenic (1 of 4 stars; one submission).

Submission:

Centre of Medical Genetics, University Hospital Muenster
Classification: Likely pathogenic. Last evaluated: 2023-08-12. Review status: criteria provided, single submitter. Criteria: ACMG Guidelines, 2015. Collection method: clinical testing. Allele origin: unknown. Affected: yes. Observed: 1 variant allele, 1 heterozygote.
Comment: ACMG categories: PM2,PM3,PP3,PP4

NM_138694.4(PKHD1):c.11506G>A (p.Gly3836Arg)

Gene: PKHD1 (PKHD1 ciliary IPT domain containing fibrocystin/polyductin; minus strand). Cytogenetic location: 6p12.3.
Variant type: single nucleotide variant.
Coding change: c.11506G>A on transcript NM_138694.4 (MANE Select); coding-DNA position 11506, G replaced by A.
Protein change: p.Gly3836Arg; replaces glycine 3836 with arginine.
Molecular consequence: missense variant.
Genome position (GRCh38, 1-based): chr6:51,638,849, C>T on the plus strand (G>A on the coding strand, the complement: PKHD1 is on the minus strand). VCF-style: chr6-51638849-C-T. GRCh37 (hg19) VCF-style: chr6-51503647-C-T.
Other names: short protein forms G3836R.
Identifiers: ClinVar variation 3383403 (VCV003383403.2).
Genomic context (GRCh38, chr6:51,638,849, plus strand): 5'-ATTATCTTCTCAAAAAAAAAAAAAAAAAACACAGAATAAAAGCACACTGTATAAAATTAC[C>T]TGGAGGAGAAGTGACAGTAAAAATAAAGTGCCAGTTTGACCCAGAGATCAAGACTGCCAA-3'
Protein context (NP_619639.3, residues 3826-3846): HFIFTVTSPP[Gly3836Arg]VNFTARSKPF